The following is an entry in ClinVar:

ClinVar aggregate classification (germline): Conflicting classifications of pathogenicity. Review status: criteria provided, conflicting classifications (1 of 4 stars). 16 submissions from 16 submitters: Uncertain significance (9); Benign (2); Likely benign (5). Last evaluated 2026-01-27.

Conditions:
MYBPC3-related disorder. Also called: MYBPC3-related disorders; MYBPC3-related condition; MYBPC3-related disease.
Cardiovascular phenotype. Identifiers: MedGen CN230736.
Left ventricular noncompaction 10 (LVNC10). Identifiers: Orphanet 154, Orphanet 54260, MedGen C3715165, MONDO:0014163, OMIM 615396.
Hypertrophic cardiomyopathy 4. Also called: Familial hypertrophic cardiomyopathy 4. Identifiers: MedGen C1861862, MONDO:0007268, OMIM 115197.
Cardiomyopathy (CMYO). Also called: Cardiomyopathies. Identifiers: Orphanet 167848, MedGen C0878544, MONDO:0004994, HP:0001638. Inheritance: Various modes of inheritance.
Hypertrophic cardiomyopathy. Also called: HYPERTROPHIC MYOCARDIOPATHY. Identifiers: Orphanet 217569, MedGen C0007194, MeSH D002312, MONDO:0005045, HP:0001639.

Allele frequency attached by ClinVar (database versions not stated): TOPMed 0.00010; gnomAD exomes 0.00025; ExAC 0.00034; 1000 Genomes Project 30x 0.00094; 1000 Genomes Project 0.00100; gnomAD 0.00006 and 0.00009.
gnomAD v4.1: 190 of 1,613,334 alleles (0.012%); highest among the groups gnomAD compares: East Asian, 0.37%; no homozygotes.

Submissions 1 to 9 of 16:

PreventionGenetics, part of Exact Sciences
Classification: Likely benign for MYBPC3-related condition. Last evaluated: 2026-01-27. Review status: criteria provided, single submitter. Criteria: ACMG Guidelines, 2015. Collection method: clinical testing. Allele origin: germline.
Comment: This variant is classified as likely benign based on ACMG/AMP sequence variant interpretation guidelines (Richards et al. 2015 PMID: 25741868, with internal and published modifications).

Labcorp Genetics (formerly Invitae), Labcorp
Classification: Benign for Hypertrophic cardiomyopathy. Last evaluated: 2026-01-20. Review status: criteria provided, single submitter. Criteria: Invitae Variant Classification Sherloc (09022015). Collection method: clinical testing. Allele origin: germline.

Molecular Diagnostic Laboratory for Inherited Cardiovascular Disease, Montreal Heart Institute
Classification: Uncertain significance for Cardiovascular phenotype. Last evaluated: 2025-07-24. Review status: criteria provided, single submitter. Criteria: ACMG Guidelines, 2015. Collection method: clinical testing. Allele origin: germline. Affected: yes.
Comment: PP1_mod, PS3_supp, PP3, BS1

Color Diagnostics, LLC DBA Color Health
Classification: Likely benign for Cardiomyopathy. Last evaluated: 2025-04-10. Review status: criteria provided, single submitter. Criteria: ACMG Guidelines, 2015. Collection method: clinical testing. Allele origin: germline.

Women's Health and Genetics/Laboratory Corporation of America, LabCorp
Classification: Uncertain significance. Last evaluated: 2025-02-28. Review status: criteria provided, single submitter. Criteria: LabCorp Variant Classification Summary - May 2015. Collection method: clinical testing. Allele origin: germline.
Comment: Variant summary: MYBPC3 c.1000G>A (p.Glu334Lys) results in a conservative amino acid change located in the MyBP-C, tri-helix bundle domain (IPR040849) of the encoded protein sequence. Three of five in-silico tools predict a benign effect of the variant on protein function. The variant allele was found at a frequency of 0.00025 in 247302 control chromosomes, predominantly at a frequency of 0.0034 within the East Asian subpopulation in the gnomAD database. The observed variant frequency within East Asian control individuals in the gnomAD database is approximately 3 fold of the estimated maximal expected allele frequency for a pathogenic variant in MYBPC3 causing Cardiomyopathy phenotype (0.001). c.1000G>A has been reported in the literature in multiple individuals affected with cardiomyopathies (such as sporadic hypertrophic cardiomyopathy, hypertrophic cardiomyopathy, left ventricular noncompaction cardiomyopathy, restrictive cardiomyopathy (RCM)), in sudden cardiac arrest survivors and in patients suspected of genetic disorders (example: Anan_2007, Bahrudin_2008, Guo_2017, Jang_2015, Kim_2020, Liu_2020, Ntusi_2016, Olivotto_2008, Perkins_2017, Song_2017, Teramoto_2018, Wang_2014, Wu_2015). These report however, do not provide unequivocal conclusions about association of the variant with Cardiomyopathy. Co-occurrences with other pathogenic/likely pathogenic variants have been reported (MYH7 c.2123G>C, p.G708A; MYH7 c.2167C>T, p.R723C; MYH7 c.2207T>C, p.I736T; TNNI3 c.434G>A, p.R145Q; TNNI3 c.433C>T, p.R145W), providing supporting evidence for a benign role (Guo _2017, Wang_2014). In vitro over-expression studies in cell system resulted in reduced expression of the E334K mutant protein, caused Ubiquitin-proteasome system (UPS) impairment characterized by decreased level of 20S proteasome activity, increased the ratio of proapoptotic/antiapoptotic regulating protein, and increased apoptosis (Bahrudin_2008). It also enhanced Ca2+ transient amplitude resulting in cardiac electrophysiological dysfunction (Bahrudin_2011). The following publications have been ascertained in the context of this evaluation (PMID: 17560888, 18929575, 21939669, 28323875, 25856671, 32492895, 31918855, 27841901, 18533079, 29555771, 28202948, 29398688, 25132132, 26163040). ClinVar contains an entry for this variant (Variation ID: 177902). Based on the evidence outlined above, the variant was classified as uncertain significance.

Blueprint Genetics
Classification: Likely benign. Last evaluated: 2024-10-31. Review status: criteria provided, single submitter. Criteria: ACMG Guidelines, 2015. Collection method: clinical testing. Allele origin: germline.

All of Us Research Program, National Institutes of Health
Classification: Uncertain significance for Hypertrophic cardiomyopathy. Last evaluated: 2024-09-23. Review status: criteria provided, single submitter. Criteria: ACMG Guidelines, 2015. Collection method: clinical testing. Allele origin: germline. Inheritance: Autosomal dominant inheritance. Observed: 33 variant alleles, 33 heterozygotes.
Comment: This missense variant replaces glutamic acid with lysine at codon 334 of the MYBPC3 protein. Computational prediction suggests that this variant may have a deleterious impact on protein structure and function (internally defined REVEL score threshold >= 0.7, PMID: 27666373). Experimental studies have shown that this variant may destabilize the protein through ubiquitin-proteasome system, modify the levels of channel proteins and induce apoptosis (PMID: 18929575, 21939669, 23740383). This variant has been reported in over 20 individuals affected with hypertrophic cardiomyopathy (PMID: 18929575, 21511876, 23283745, 23711808, 25132132, 26090888, 26163040, 32380161, 32492895, 33830315), in 5 individuals affected with dilated cardiomyopathy (PMID: 35284542), and in 1 individual affected with left ventricular non-compaction (PMID: 34853230), mostly of East Asian ancestry. This variant has also been identified in 66/278690 chromosomes (65/19470 East Asian chromosomes) in the general population by the Genome Aggregation Database (gnomAD). Although the high frequency of this variant in the general population suggests that it is unlikely to be disease-causing, available evidence is insufficient to determine the role of this variant in disease conclusively. Therefore, this variant is classified as a Variant of Uncertain Significance.

This study involves interpretation of variants in research participants for the purpose of population health screening. Participant phenotype was not available at the time of variant classification. Additional details can be found in publication PMID: 35346344, PMCID: PMC8962531

GeneDx
Classification: Uncertain significance. Last evaluated: 2024-07-01. Review status: criteria provided, single submitter. Criteria: GeneDx Variant Classification Process June 2021. Collection method: clinical testing. Allele origin: germline. Affected: yes.
Comment: In silico analysis supports that this missense variant has a deleterious effect on protein structure/function; This variant is associated with the following publications: (PMID: 17560888, 27731493, 29555771, 33830315, 21939669, 23283745, 18533079, 26163040, 24380728, 23711808, 19684034, 25132132, 23740383, 21511876, 28679633, 28518168, 20045868, 24574578, 27841901, 25856671, 22455086, 33407484, 33658040, 28323875, 31918855, 31980526, 26090888, 34853230, 35130036, 29398688, 35284542, 34621001, 32380161, 32492895, 38008210, 38186735, 18929575, 37652022, 28193612, 28202948, 35534676, 37653714)

CHEO Genetics Diagnostic Laboratory, Children's Hospital of Eastern Ontario
Classification: Likely benign for Cardiomyopathy. Last evaluated: 2023-01-24. Review status: criteria provided, single submitter. Criteria: ACMG Guidelines, 2015. Collection method: clinical testing. Allele origin: germline.

NM_000256.3(MYBPC3):c.1000G>A (p.Glu334Lys)

Gene: MYBPC3 (myosin binding protein C3; minus strand). Cytogenetic location: 11p11.2.
Variant type: single nucleotide variant.
Coding change: c.1000G>A on transcript NM_000256.3 (MANE Select); coding-DNA position 1000, G replaced by A.
Protein change: p.Glu334Lys; replaces glutamic acid 334 with lysine.
Molecular consequence: missense variant.
Genome position (GRCh38, 1-based): chr11:47,346,297, C>T on the plus strand (G>A on the coding strand, the complement: MYBPC3 is on the minus strand). VCF-style: chr11-47346297-C-T. GRCh37 (hg19) VCF-style: chr11-47367848-C-T.
Other names: short protein forms E334K.
Identifiers: ClinVar variation 177902 (VCV000177902.55), dbSNP rs573916965, ClinGen allele CA009667.
Genomic context (GRCh38, chr11:47,346,297, plus strand): 5'-CCTTGAGCCTCTTTAGCATGCCGCGCAGGTCAGTGACGCCGTACTGGAAGGCGATGCGCT[C>T]GTACTCAGATGGGGGTGCCTGCCGTAGGATCTCCCACACGTCCTCCTCTGCTGGTGCCTC-3'
Protein context (NP_000247.2, residues 324-344): ILRQAPPSEY[Glu334Lys]RIAFQYGVTD